The following is an entry in ClinVar:

NM_006078.5(CACNG2):c.247T>G (p.Phe83Val)

Gene: CACNG2 (calcium voltage-gated channel auxiliary subunit gamma 2; minus strand). Cytogenetic location: 22q12.3.
Variant type: single nucleotide variant.
Coding change: c.247T>G on transcript NM_006078.5 (MANE Select); coding-DNA position 247, T replaced by G.
Protein change: p.Phe83Val; replaces phenylalanine 83 with valine.
Molecular consequence: missense variant. On other transcripts: non-coding transcript variant (1).
Genome position (GRCh38, 1-based): chr22:36,587,513, A>C on the plus strand (T>G on the coding strand, the complement: CACNG2 is on the minus strand). VCF-style: chr22-36587513-A-C. GRCh37 (hg19) VCF-style: chr22-36983560-A-C.
Other names: c.178T>G, p.Phe60Val (NM_001379051.1); short protein forms F60V, F83V.
Identifiers: ClinVar variation 4886231 (VCV004886231.2).

ClinVar aggregate classification (germline): Uncertain significance (1 of 4 stars; one submission).

gnomAD v4.1: 1 of 1,613,674 alleles (0.000062%); highest among the groups gnomAD compares: African/African-American, 0.0013%; no homozygotes.

Submission:

Dasa
Classification: Uncertain significance. Last evaluated: 2026-01-31. Review status: criteria provided, single submitter. Criteria: DASA Assertion Criteria. Collection method: clinical testing. Allele origin: germline.
Comment: NM_006078.5(CACNG2):c.247T>G (p.Phe83Val) is a missense variant that results in the substitution of phenylalanine with valine. This variant is rare in population databases. Computational prediction algorithms are consistent with a deleterious effect. The currently available literature and clinical evidence are not sufficient to establish a definitive association between this variant and the reported condition. Therefore, this variant is classified as a variant of uncertain significance.